The following is an entry in ClinVar:

NM_001378454.1(ALMS1):c.4867A>G (p.Lys1623Glu)

Gene: ALMS1 (ALMS1 centrosome and basal body associated protein; plus strand). Cytogenetic location: 2p13.1.
Variant type: single nucleotide variant.
Coding change: c.4867A>G on transcript NM_001378454.1 (MANE Select); coding-DNA position 4867, A replaced by G.
Protein change: p.Lys1623Glu; replaces lysine 1623 with glutamic acid.
Molecular consequence: missense variant.
Genome position (GRCh38, 1-based): chr2:73,451,394, A>G. VCF-style: chr2-73451394-A-G. GRCh37 (hg19) VCF-style: chr2-73678521-A-G.
Other names: c.4870A>G, p.Lys1624Glu (NM_015120.4); short protein forms K1623E, K1624E.
Identifiers: ClinVar variation 4982207 (VCV004982207.1).

ClinVar aggregate classification (germline): Uncertain significance (1 of 4 stars; one submission).

Conditions:
ALMS1-related disorder. Also called: ALMS1-related condition.

gnomAD v4.1: 1 of 1,613,972 alleles (0.000062%); highest among the groups gnomAD compares: Non-Finnish European, 0.000085%; no homozygotes.

Submission:

PreventionGenetics, part of Exact Sciences
Classification: Uncertain significance for ALMS1-related condition. Last evaluated: 2026-03-14. Review status: criteria provided, single submitter. Criteria: ACMG Guidelines, 2015. Collection method: clinical testing. Allele origin: germline.
Comment: The ALMS1 c.4870A>G variant is predicted to result in the amino acid substitution p.Ile1624Val. To our knowledge, this variant has not been reported in the literature or in a large population database (gnomAD), indicating this variant is rare. At this time, the clinical significance of this variant is uncertain due to the absence of conclusive functional and genetic evidence.